The following is an entry in ClinVar:

ClinVar aggregate classification (germline): Pathogenic (1 of 4 stars; one submission).

Conditions:
Cardiovascular phenotype. Identifiers: MedGen CN230736.

Submission:

Ambry Genetics
Classification: Pathogenic for Cardiovascular phenotype. Last evaluated: 2023-06-05. Review status: criteria provided, single submitter. Criteria: Ambry Variant Classification Scheme 2023. Collection method: clinical testing. Allele origin: germline.
Comment: The p.W657* pathogenic mutation (also known as c.1970G>A), located in coding exon 13 of the DSG2 gene, results from a G to A substitution at nucleotide position 1970. This changes the amino acid from a tryptophan to a stop codon within coding exon 13. This variant is considered to be rare based on population cohorts in the Genome Aggregation Database (gnomAD). This alteration is expected to result in loss of function by premature protein truncation or nonsense-mediated mRNA decay. As such, this alteration is interpreted as a disease-causing mutation.

NM_001943.5(DSG2):c.1970G>A (p.Trp657Ter)

Gene: DSG2 (desmoglein 2; plus strand). Cytogenetic location: 18q12.1.
Variant type: single nucleotide variant.
Coding change: c.1970G>A on transcript NM_001943.5 (MANE Select); coding-DNA position 1970, G replaced by A.
Protein change: p.Trp657Ter; replaces tryptophan 657 with a stop codon.
Molecular consequence: nonsense.
Genome position (GRCh38, 1-based): chr18:31,541,283, G>A. VCF-style: chr18-31541283-G-A. GRCh37 (hg19) VCF-style: chr18-29121246-G-A.
Other names: short protein forms W657*.
Identifiers: ClinVar variation 2563311 (VCV002563311.2), dbSNP rs2510920014, ClinGen allele CA402139763.